The following is an entry in ClinVar:

ClinVar aggregate classification (germline): Uncertain significance (1 of 4 stars; one submission).

Allele frequency attached by ClinVar (database versions not stated): gnomAD exomes below 0.00001; TOPMed below 0.00001; gnomAD 0.00001.

Submission:

Labcorp Genetics (formerly Invitae), Labcorp
Classification: Uncertain significance. Last evaluated: 2023-12-21. Review status: criteria provided, single submitter. Criteria: Invitae Variant Classification Sherloc (09022015). Collection method: clinical testing. Allele origin: germline.
Comment: This variant, c.1334_1335insCAAAGG, results in the insertion of 2 amino acid(s) of the SPART protein (p.Thr445_Gly446insLysGly), but otherwise preserves the integrity of the reading frame. This variant is present in population databases (no rsID available, gnomAD 0.007%). This variant has not been reported in the literature in individuals affected with SPART-related conditions. In summary, the available evidence is currently insufficient to determine the role of this variant in disease. Therefore, it has been classified as a Variant of Uncertain Significance.

NM_015087.5(SPART):c.1334_1335insCAAAGG (p.Thr445_Gly446insLysGly)

Gene: SPART (spartin; minus strand). Cytogenetic location: 13q13.3.
Variant type: Insertion.
Coding change: c.1334_1335insCAAAGG on transcript NM_015087.5 (MANE Select); coding-DNA positions 1334 to 1335, CAAAGG inserted.
Protein change: p.Thr445_Gly446insLysGly.
Molecular consequence: inframe insertion.
Genome position: GRCh38 VCF-style: chr13-36314375-A-ACCTTTG. GRCh37 (hg19) VCF-style: chr13-36888512-A-ACCTTTG.
Other names: c.1334_1335insCAAAGG, p.Thr445_Gly446insLysGly (NM_001142294.2, NM_001142295.2, NM_001142296.2).
Identifiers: ClinVar variation 2901858 (VCV002901858.3), dbSNP rs1236786243, ClinGen allele CA609452324.